The following is an entry in ClinVar:

ClinVar aggregate classification (germline): Uncertain significance (1 of 4 stars; one submission).

Submission:

Labcorp Genetics (formerly Invitae), Labcorp
Classification: Uncertain significance. Last evaluated: 2022-07-26. Review status: criteria provided, single submitter. Criteria: Invitae Variant Classification Sherloc (09022015). Collection method: clinical testing. Allele origin: germline.
Comment: A copy number gain of the genomic region encompassing the full coding sequence of the CHMP1A gene has been identified. The boundaries of this event are unknown as they extend beyond the assayed region for this gene and therefore may encompass additional genes. As the precise location of this event is unknown, it may be in tandem or it may be located elsewhere in the genome. This variant has not been reported in the literature in individuals affected with CHMP1A-related conditions. In summary, the available evidence is currently insufficient to determine the role of this variant in disease. Therefore, it has been classified as a Variant of Uncertain Significance.

NC_000016.9:g.(?_89334886)_(89723996_?)dup

Genes: ANKRD11 (ankyrin repeat domain containing 11; minus strand), CHMP1A (charged multivesicular body protein 1A; minus strand), CPNE7 (copine 7; plus strand), DPEP1 (dipeptidase 1; plus strand), RPL13 (ribosomal protein L13; plus strand) and 2 more. Cytogenetic location: 16q24.3.
Variant type: Duplication.
Identifiers: ClinVar variation 2424532 (VCV002424532.1).